The following is an entry in ClinVar:

NM_001349253.2(SCN11A):c.54C>T (p.Pro18=)

Gene: SCN11A (sodium voltage-gated channel alpha subunit 11; minus strand). Cytogenetic location: 3p22.2.
Variant type: single nucleotide variant.
Coding change: c.54C>T on transcript NM_001349253.2 (MANE Select); coding-DNA position 54, C replaced by T.
Protein change: p.Pro18=; no amino-acid change (proline 18 retained).
Molecular consequence: synonymous variant.
Genome position (GRCh38, 1-based): chr3:38,950,309, G>A on the plus strand (C>T on the coding strand, the complement: SCN11A is on the minus strand). VCF-style: chr3-38950309-G-A. GRCh37 (hg19) VCF-style: chr3-38991800-G-A.
Other names: c.54C>T, p.Pro18= (NM_014139.3); c.54C>T (NM_014139.2).
Identifiers: ClinVar variation 2949839 (VCV002949839.4), dbSNP rs780037301, ClinGen allele CA2322789.

ClinVar aggregate classification (germline): Likely benign. Review status: criteria provided, multiple submitters, no conflicts (2 of 4 stars). 2 submissions from 2 submitters: Likely benign (2). Last evaluated 2025-12-22.

Conditions:
SCN11A-related disorder. Also called: SCN11A-related condition.
Hereditary sensory and autonomic neuropathy type 7. Also called: Neuropathy, hereditary sensory and autonomic, type VII; HSAN VII. Identifiers: Orphanet 391397, MedGen C3809882, MONDO:0014244, OMIM 615548.
Familial episodic pain syndrome with predominantly lower limb involvement. Also called: Episodic pain syndrome, familial, 3. Identifiers: Orphanet 391384, Orphanet 391392, MedGen C3809899, MONDO:0014247, OMIM 615552.

Allele frequency attached by ClinVar (database versions not stated): gnomAD 0.00001; gnomAD exomes 0.00001; TOPMed 0.00004; ExAC 0.00007.
gnomAD v4.1: 23 of 1,613,948 alleles (0.0014%); highest among the groups gnomAD compares: Admixed American, 0.033%; no homozygotes.

Submissions (2):

PreventionGenetics, part of Exact Sciences
Classification: Likely benign for SCN11A-related condition. Last evaluated: 2025-12-22. Review status: criteria provided, single submitter. Criteria: ACMG Guidelines, 2015. Collection method: clinical testing. Allele origin: germline.
Comment: This variant is classified as likely benign based on ACMG/AMP sequence variant interpretation guidelines (Richards et al. 2015 PMID: 25741868, with internal and published modifications).

Labcorp Genetics (formerly Invitae), Labcorp
Classification: Likely benign for Familial episodic pain syndrome with predominantly lower limb involvement; Hereditary sensory and autonomic neuropathy type 7. Last evaluated: 2024-08-27. Review status: criteria provided, single submitter. Criteria: Invitae Variant Classification Sherloc (09022015). Collection method: clinical testing. Allele origin: germline.